The following is an entry in ClinVar:

ClinVar aggregate classification (germline): Uncertain significance. Review status: criteria provided, multiple submitters, no conflicts (2 of 4 stars). 3 submissions from 2 submitters: Uncertain significance (3). Last evaluated 2023-09-12.

Conditions:
Ataxia-telangiectasia-like disorder (ATLD). Identifiers: MedGen C1858391, MONDO:0011457.
Hereditary cancer-predisposing syndrome. Also called: Neoplastic Syndromes, Hereditary; Tumor predisposition; Hereditary Cancer Syndrome; Hereditary neoplastic syndrome. Identifiers: Orphanet 140162, MedGen C0027672, MeSH D009386, MONDO:0015356.

Allele frequency attached by ClinVar (database versions not stated): ExAC 0.00001; gnomAD 0.00001; gnomAD exomes 0.00001; TOPMed 0.00002.

Submissions (3):

Ambry Genetics
Classification: Uncertain significance for Hereditary cancer-predisposing syndrome. Last evaluated: 2023-09-12. Review status: criteria provided, single submitter. Criteria: Ambry Variant Classification Scheme 2023. Collection method: clinical testing. Allele origin: germline.
Comment: The c.2109_2117delAAGAAGAA variant (also known as p.L703_N706delinsF), located in coding exon 19 of the MRE11A gene, results from an in-frame deletion of nine nucleotides at positions 2109 to 2117. This results in the substitution of four residues (LRRN) for a phenylalanine residue (F) at codon 703 to 706. The deleted amino acid positions are not well conserved in available vertebrate species. In addition, the in silico prediction for this alteration is inconclusive (Choi Y et al. PLoS ONE. 2012; 7(10):e46688). Since supporting evidence is limited at this time, the clinical significance of this alteration remains unclear.

Labcorp Genetics (formerly Invitae), Labcorp
Classification: Uncertain significance for Ataxia-telangiectasia-like disorder. Last evaluated: 2021-09-17. Review status: criteria provided, single submitter. Criteria: Invitae Variant Classification Sherloc (09022015). Collection method: clinical testing. Allele origin: germline.

Labcorp Genetics (formerly Invitae), Labcorp
Classification: Uncertain significance for Hereditary cancer-predisposing syndrome. Last evaluated: 2015-12-22. Review status: criteria provided, single submitter. Criteria: Invitae Variant Classification Sherloc (09022015). Collection method: clinical testing. Allele origin: germline.
Comment: This variant, c.2109_2117delAAGAAGAAA, is a complex sequence change that results in the deletion of 4 amino acids and the insertion of one phenylalanine of the MRE11A protein (p.Leu703_Asn706delinsPhe). While this variant is present in population databases (rs757822582, ExAC), the frequency information is unreliable due to low sequence quality at this site. In summary, this is a rare in-frame deletion of 3 amino acids and insertion of one Phenylalanine in the MRE11A protein. There is no indication that this variant has an effect on protein function or causes disease, however, this has not been proven by experimental or family data. In the absence of additional evidence, it has been classified as a Variant of Uncertain Significance.

NM_005591.4(MRE11):c.2109_2117del (p.Leu703_Asn706delinsPhe)

Gene: MRE11 (MRE11 double strand break repair nuclease; minus strand). Cytogenetic location: 11q21.
Variant type: Deletion.
Coding change: c.2109_2117del on transcript NM_005591.4 (MANE Select); coding-DNA positions 2109 to 2117, 9 bases deleted (AAGAAGAAA; older notation c.2109_2117delAAGAAGAAA).
Protein change: p.Leu703_Asn706delinsPhe.
Molecular consequence: inframe indel.
Genome position (GRCh38, 1-based): chr11:94,420,135-94,420,143, TTTCTTCTT deleted on the plus strand (AAGAAGAAA on the coding strand, the reverse complement: MRE11 is on the minus strand). VCF-style (leftmost placement, unchanged base first): chr11-94420134-ATTTCTTCTT-A. GRCh37 (hg19) VCF-style: chr11-94153300-ATTTCTTCTT-A.
Other names: c.2106_2114del, p.Leu702_Asn705delinsPhe (NM_001330347.2); c.2025_2033del, p.Leu675_Asn678delinsPhe (NM_005590.4); c.2109_2117delAAGAAGAAA (NM_005591.3).
Identifiers: ClinVar variation 187237 (VCV000187237.11), dbSNP rs757822582, ClinGen allele CA197124.